The following is an entry in ClinVar:

NM_003001.5(SDHC):c.*16A>G

Gene: SDHC (succinate dehydrogenase complex subunit C; plus strand). Cytogenetic location: 1q23.3.
Variant type: single nucleotide variant.
Coding change: c.*16A>G on transcript NM_003001.5 (MANE Select); 16 bases downstream of the stop codon, A replaced by G.
Molecular consequence: 3 prime UTR variant. On other transcripts: non-coding transcript variant (1), missense variant (3).
Genome position (GRCh38, 1-based): chr1:161,362,449, A>G. VCF-style: chr1-161362449-A-G. GRCh37 (hg19) VCF-style: chr1-161332239-A-G.
Other names: c.362A>G, p.Gln121Arg (NM_001035511.3); c.*16A>G (NM_001035512.3, NM_001035513.3, NM_001407115.1 and 5 more transcripts); c.260A>G, p.Gln87Arg (NM_001278172.3); c.305A>G, p.Gln102Arg (NM_001407121.1); short protein forms Q121R, Q102R, Q87R.
Identifiers: ClinVar variation 5029337 (VCV005029337.1).

ClinVar aggregate classification (germline): Uncertain significance (1 of 4 stars; one submission).

Conditions:
Hereditary cancer-predisposing syndrome. Also called: Neoplastic Syndromes, Hereditary; Tumor predisposition; Hereditary neoplastic syndrome; Hereditary Cancer Syndrome. Identifiers: Orphanet 140162, MedGen C0027672, MeSH D009386, MONDO:0015356.

Submission:

Ambry Genetics
Classification: Uncertain significance for Hereditary cancer-predisposing syndrome. Last evaluated: 2026-07-06. Review status: criteria provided, single submitter. Criteria: Ambry Variant Classification Scheme 2023. Collection method: clinical testing. Allele origin: germline.
Comment: The p.Q121R variant (also known as c.362A>G), located in coding exon 5 of the SDHC gene, results from an A to G substitution at nucleotide position 362. The glutamine at codon 121 is replaced by arginine, an amino acid with highly similar properties. This amino acid position is conserved. In addition, the in silico prediction for this alteration is inconclusive. Based on the available evidence, the clinical significance of this variant remains unclear.